The following is an entry in ClinVar:

ClinVar aggregate classification (germline): Pathogenic (1 of 4 stars; one submission).

Conditions:
Eichsfeld type congenital muscular dystrophy (CMYO3). Also called: MYOPATHY, SEPN1-RELATED; SELENON-related myopathy; Congenital myopathy 3 with rigid spine; Rigid spine muscular dystrophy 1. Identifiers: MedGen C0410180, MONDO:0100100, OMIM 602771.

Submission:

Labcorp Genetics (formerly Invitae), Labcorp
Classification: Pathogenic for Eichsfeld type congenital muscular dystrophy. Last evaluated: 2022-02-11. Review status: criteria provided, single submitter. Criteria: Invitae Variant Classification Sherloc (09022015). Collection method: clinical testing. Allele origin: germline.
Comment: For these reasons, this variant has been classified as Pathogenic. This variant is also known as c.-34_60del. Disruption of the initiator codon has been observed in individuals with SELENON-related conditions (PMID: 12192640, 21670436, 23394784, 28558865). The frequency data for this variant in the population databases is considered unreliable, as metrics indicate insufficient coverage at this position in the gnomAD database. This sequence change affects the initiator methionine of the SELENON mRNA. The next in-frame methionine is located at codon 85.

Literature cited by the submitters: PubMed 12192640; PubMed 21670436; PubMed 23394784; PubMed 28558865.

NM_206926.2(SELENON):c.-30_64del (p.Met1fs)

Gene: SELENON (selenoprotein N; plus strand). Cytogenetic location: 1p36.11.
Variant type: Deletion.
Coding change: c.-30_64del on transcript NM_206926.2 (MANE Select); 30 bases upstream of the start codon through coding-DNA position 64, 94 bases deleted.
Protein change: p.Met1fs; shifts the reading frame from methionine 1.
Molecular consequence: frameshift variant, initiator codon variant.
Genome position (GRCh38, 1-based): chr1:25,800,201-25,800,294, 94 bases deleted. GRCh37 (hg19): chr1:26,126,692-26,126,785.
Other names: c.-30_64del, p.Met1fs (NM_020451.3); short protein forms M1fs.
Identifiers: ClinVar variation 2418838 (VCV002418838.11), dbSNP rs2524953933, ClinGen allele CA915940617.